The following is an entry in ClinVar:

ClinVar aggregate classification (germline): Pathogenic/Likely pathogenic. Review status: criteria provided, multiple submitters, no conflicts (2 of 4 stars). 2 submissions from 2 submitters: Pathogenic (1); Likely pathogenic (1). Last evaluated 2025-08-06.

Conditions:
Lamellar ichthyosis. Identifiers: Orphanet 313, MedGen C5848247, MONDO:0017778.
Ichthyosis and erythrokeratoderma.

Submissions (2):

Genetics Laboratory, Great Ormond Street Hospital NHS Foundation Trust, North Thames Genomic Laboratory Hub
Classification: Likely pathogenic for Ichthyosis and erythrokeratoderma. Last evaluated: 2025-08-06. Review status: criteria provided, single submitter. Criteria: ACGS Best Practice Guidelines for Variant Classification in Rare Disease 2024 v1.2. Collection method: clinical testing. Allele origin: germline. Affected: yes.
Comment: PM2_moderate, PP3_supporting, PS3_supporting, PM3_moderate, PP4_moderate

Women's Health and Genetics/Laboratory Corporation of America, LabCorp
Classification: Pathogenic for Lamellar ichthyosis. Last evaluated: 2024-05-23. Review status: criteria provided, single submitter. Criteria: LabCorp Variant Classification Summary - May 2015. Collection method: clinical testing. Allele origin: germline.
Comment: Variant summary: SDR9C7 c.826C>T (p.Arg276Cys) results in a non-conservative amino acid change in the encoded protein sequence. Five of five in-silico tools predict a damaging effect of the variant on protein function. The variant allele was found at a frequency of 8e-06 in 251242 control chromosomes. c.826C>T has been reported in the literature in the homozygous and compound heterozygous states in multiple individuals affected with lamellar ichthyosis and segregated with disease in at least one family (e.g. Mazereeuw-Hautier_2020, Youssefian_2021, Takeichi_2020). These data indicate that the variant is very likely to be associated with disease. At least one publication reports experimental evidence that this variant causes reduced expression in vivo and absent activity in vitro (e.g. Takeichi_2020). The following publications have been ascertained in the context of this evaluation (PMID: 31633189, 31671075, 33422619). No submitters have cited clinical-significance assessments for this variant to ClinVar. Based on the evidence outlined above, the variant was classified as pathogenic.

Literature cited by the submitters: PubMed 31633189 (cited by Women's Health and Genetics/Laboratory Corporation of America, LabCorp); PubMed 33422619 (cited by Women's Health and Genetics/Laboratory Corporation of America, LabCorp); PubMed 31671075 (cited by Women's Health and Genetics/Laboratory Corporation of America, LabCorp).

NM_148897.3(SDR9C7):c.826C>T (p.Arg276Cys)

Gene: SDR9C7 (short chain dehydrogenase/reductase family 9C member 7; minus strand). Cytogenetic location: 12q13.3.
Variant type: single nucleotide variant.
Coding change: c.826C>T on transcript NM_148897.3 (MANE Select); coding-DNA position 826, C replaced by T.
Protein change: p.Arg276Cys; replaces arginine 276 with cysteine.
Molecular consequence: missense variant.
Genome position (GRCh38, 1-based): chr12:56,923,949, G>A on the plus strand (C>T on the coding strand, the complement: SDR9C7 is on the minus strand). VCF-style: chr12-56923949-G-A. GRCh37 (hg19) VCF-style: chr12-57317733-G-A.
Other names: short protein forms R276C.
Identifiers: ClinVar variation 3336407 (VCV003336407.2).